The following is an entry in ClinVar:

NM_001872.5(CPB2):c.505G>A (p.Ala169Thr)

Genes: CPB2 (carboxypeptidase B2; minus strand), CPB2-AS1 (CPB2 antisense RNA 1; plus strand). Cytogenetic location: 13q14.13.
Variant type: single nucleotide variant.
Coding change: c.505G>A on transcript NM_001872.5 (MANE Select); coding-DNA position 505, G replaced by A.
Protein change: p.Ala169Thr; replaces alanine 169 with threonine.
Molecular consequence: missense variant.
Genome position (GRCh38, 1-based): chr13:46,073,959, C>T on the plus strand (G>A on the coding strand, the complement: CPB2 is on the minus strand). VCF-style: chr13-46073959-C-T. GRCh37 (hg19) VCF-style: chr13-46648094-C-T.
Other names: c.505G>A, p.Ala169Thr (NM_001278541.2); short protein forms A169T.
Identifiers: ClinVar variation 3059667 (VCV003059667.2), dbSNP rs3742264, ClinGen allele CA6974916.
Genomic context (GRCh38, chr13:46,073,959, plus strand): 5'-CAGGAGAGATCCATTCTCTGGCATGGATTCCACAGTCAATCCATATGGCATTTTTGGCTG[C>T]TTGTTCTTTTCCAGAAACCTGCTCAAAGAAACCCCAAAAGTAGCAAAAACAGTAACAATA-3'
Protein context (NP_001863.3, residues 159-179): YVLKVSGKEQ[Ala169Thr]AKNAIWIDCG

ClinVar aggregate classification (germline): Benign (0 of 4 stars; one submission).

Conditions:
CPB2-related disorder. Also called: CPB2-related condition.

Allele frequency attached by ClinVar (database versions not stated): 1000 Genomes Project 0.30731; ExAC 0.31156; 1000 Genomes Project 30x 0.31215; gnomAD exomes 0.31934; TOPMed 0.33733; gnomAD 0.34330; ESP Exome Variant Server 0.34569.
gnomAD v4.1: 507,663 of 1,578,308 alleles (32%); highest among the groups gnomAD compares: African/African-American, 39%; 83,515 homozygotes.

Submission:

PreventionGenetics, part of Exact Sciences
Classification: Benign for CPB2-related condition. Last evaluated: 2019-10-17. Review status: no assertion criteria provided. Collection method: clinical testing. Allele origin: germline.
Comment: This variant is classified as benign based on ACMG/AMP sequence variant interpretation guidelines (Richards et al. 2015 PMID: 25741868, with internal and published modifications).